The following is an entry in ClinVar:

NM_004006.3(DMD):c.3892G>T (p.Gly1298Ter)

Gene: DMD (dystrophin; minus strand). Cytogenetic location: Xp21.1.
Variant type: single nucleotide variant.
Coding change: c.3892G>T on transcript NM_004006.3 (MANE Select); coding-DNA position 3892, G replaced by T.
Protein change: p.Gly1298Ter; replaces glycine 1298 with a stop codon.
Molecular consequence: nonsense.
Genome position (GRCh38, 1-based): chrX:32,441,209, C>A on the plus strand (G>T on the coding strand, the complement: DMD is on the minus strand). VCF-style: chrX-32441209-C-A. GRCh37 (hg19) VCF-style: chrX-32459326-C-A.
Other names: c.3868G>T, p.Gly1290Ter (NM_000109.4); c.3880G>T, p.Gly1294Ter (NM_004009.3); c.3523G>T, p.Gly1175Ter (NM_004010.3); short protein forms G1175*, G1290*, G1294*, G1298*.
Identifiers: ClinVar variation 983948 (VCV000983948.4), dbSNP rs750349613, ClinGen allele CA412670239.

ClinVar aggregate classification (germline): Likely pathogenic (1 of 4 stars; one submission).

Conditions:
Progressive muscular dystrophy. Identifiers: Orphanet 206644, MedGen C4551827, MONDO:0016106.

Submission:

Myriad Genetics, Inc.
Classification: Likely pathogenic for Progressive muscular dystrophy. Last evaluated: 2019-05-30. Review status: criteria provided, single submitter. Criteria: Myriad Autosomal Dominant, Autosomal Recessive and X-Linked Classification Criteria (2023). Collection method: clinical testing. Allele origin: unknown.
Comment: NM_004006.2(DMD):c.3892G>T(G1298*) is expected to be pathogenic in the context of dystrophinopathy (including Duchenne/Becker muscular dystrophy). This variant is predicted to lead to an abnormal or absent protein product due to the creation of a premature termination codon in DMD, a gene where loss-of-function variants are known to be pathogenic. Please note: this variant was assessed in the context of healthy population screening.